The following is an entry in ClinVar:

NM_001377275.1(PER3):c.2259G>A (p.Pro753=)

Genes: PER3 (period circadian regulator 3; plus strand), LOC126805604 (CDK7 strongly-dependent group 2 enhancer GRCh37_chr1:7886590-7887789; plus strand). Cytogenetic location: 1p36.23.
Variant type: single nucleotide variant.
Coding change: c.2259G>A on transcript NM_001377275.1 (MANE Select); coding-DNA position 2259, G replaced by A.
Protein change: p.Pro753=; no amino-acid change (proline 753 retained).
Molecular consequence: synonymous variant.
Genome position (GRCh38, 1-based): chr1:7,827,188, G>A. VCF-style: chr1-7827188-G-A. GRCh37 (hg19) VCF-style: chr1-7887248-G-A.
Other names: c.2259G>A, p.Pro753= (NM_001289861.2, NM_001289862.2); c.2238G>A, p.Pro746= (NM_001289863.3, NM_001377276.1); c.1302G>A, p.Pro434= (NM_001289864.3); c.2235G>A, p.Pro745= (NM_016831.4).
Identifiers: ClinVar variation 3060684 (VCV003060684.2), dbSNP rs2859387, ClinGen allele CA568350.
Genomic context (GRCh38, chr1:7,827,188, plus strand): 5'-TTCCAAGCAGACGCGGTCGGCCGGCTGCAGGAAAGGGAAGCACAAGCGGAAGAAGCTGCC[G>A]GAGCCGCCAGACAGCAGCAGCTCGAACACCGGCTCTGGTCCCCGCAGGGGAGCGCATCAG-3'
Protein context (NP_001364204.1, residues 743-763): RKGKHKRKKL[Pro753=]EPPDSSSSNT

ClinVar aggregate classification (germline): Benign (0 of 4 stars; one submission).

Conditions:
PER3-related disorder. Also called: PER3-related condition.

Allele frequency attached by ClinVar (database versions not stated): ESP Exome Variant Server 0.40648; TOPMed 0.44151; 1000 Genomes Project 0.51677.
gnomAD v4.1: 624,678 of 1,610,900 alleles (39%); highest among the groups gnomAD compares: East Asian, 76%; 127,151 homozygotes.

Submission:

PreventionGenetics, part of Exact Sciences
Classification: Benign for PER3-related condition. Last evaluated: 2019-10-17. Review status: no assertion criteria provided. Collection method: clinical testing. Allele origin: germline.
Comment: This variant is classified as benign based on ACMG/AMP sequence variant interpretation guidelines (Richards et al. 2015 PMID: 25741868, with internal and published modifications).